The following is an entry in ClinVar:

ClinVar aggregate classification (germline): Uncertain significance (1 of 4 stars; one submission).

Conditions:
Combined oxidative phosphorylation defect type 14. Also called: Combined oxidative phosphorylation deficiency 14. Identifiers: Orphanet 319519, MedGen C4755312, MONDO:0013986, OMIM 614946.

Allele frequency attached by ClinVar (database versions not stated): gnomAD exomes below 0.00001; ExAC 0.00002; gnomAD 0.00009; TOPMed 0.00011; 1000 Genomes Project 30x 0.00016; 1000 Genomes Project 0.00020.
gnomAD v4.1: 22 of 1,614,098 alleles (0.0014%); highest among the groups gnomAD compares: African/African-American, 0.027%; no homozygotes.

Submission:

Labcorp Genetics (formerly Invitae), Labcorp
Classification: Uncertain significance for Combined oxidative phosphorylation defect type 14. Last evaluated: 2025-11-15. Review status: criteria provided, single submitter. Criteria: Invitae Variant Classification Sherloc (09022015). Collection method: clinical testing. Allele origin: germline.
Comment: This sequence change replaces serine, which is neutral and polar, with threonine, which is neutral and polar, at codon 24 of the FARS2 protein (p.Ser24Thr). This variant is present in population databases (rs573996374, gnomAD 0.02%). This variant has not been reported in the literature in individuals affected with FARS2-related conditions. ClinVar contains an entry for this variant (Variation ID: 940691). Invitae Evidence Modeling of protein sequence and biophysical properties (such as structural, functional, and spatial information, amino acid conservation, physicochemical variation, residue mobility, and thermodynamic stability) indicates that this missense variant is not expected to disrupt FARS2 protein function with a negative predictive value of 95%. In summary, the available evidence is currently insufficient to determine the role of this variant in disease. Therefore, it has been classified as a Variant of Uncertain Significance.

NM_006567.5(FARS2):c.70T>A (p.Ser24Thr)

Genes: FARS2 (phenylalanyl-tRNA synthetase 2, mitochondrial; plus strand), LOC126859565 (CDK7 strongly-dependent group 2 enhancer GRCh37_chr6:5368745-5369944; plus strand). Cytogenetic location: 6p25.1.
Variant type: single nucleotide variant.
Coding change: c.70T>A on transcript NM_006567.5 (MANE Select); coding-DNA position 70, T replaced by A.
Protein change: p.Ser24Thr; replaces serine 24 with threonine.
Molecular consequence: missense variant. On other transcripts: intron variant (2).
Genome position (GRCh38, 1-based): chr6:5,368,640, T>A. VCF-style: chr6-5368640-T-A. GRCh37 (hg19) VCF-style: chr6-5368873-T-A.
Other names: c.70T>A, p.Ser24Thr (NM_001374875.1, NM_001374876.1, NM_001374877.1 and 5 more transcripts); c.-340-27993T>A (NM_001375260.1); c.-84-35902T>A (NM_001375259.1); short protein forms S24T.
Identifiers: ClinVar variation 940691 (VCV000940691.7), dbSNP rs573996374, ClinGen allele CA3623586.